The following is an entry in ClinVar:

NM_000235.4(LIPA):c.131G>A (p.Trp44Ter)

Gene: LIPA (lipase A, lysosomal acid type; minus strand). Cytogenetic location: 10q23.31.
Variant type: single nucleotide variant.
Coding change: c.131G>A on transcript NM_000235.4 (MANE Select); coding-DNA position 131, G replaced by A.
Protein change: p.Trp44Ter; replaces tryptophan 44 with a stop codon.
Molecular consequence: nonsense. On other transcripts: intron variant (1).
Genome position (GRCh38, 1-based): chr10:89,245,774, C>T on the plus strand (G>A on the coding strand, the complement: LIPA is on the minus strand). VCF-style: chr10-89245774-C-T. GRCh37 (hg19) VCF-style: chr10-91005531-C-T.
Other names: c.131G>A, p.Trp44Ter (NM_001127605.3); c.-120+5963G>A (NM_001288979.2); short protein forms W44*.
Identifiers: ClinVar variation 1724570 (VCV001724570.5), dbSNP rs754033834, ClinGen allele CA377518386.

ClinVar aggregate classification (germline): Pathogenic/Likely pathogenic. Review status: criteria provided, multiple submitters, no conflicts (2 of 4 stars). 2 submissions from 2 submitters: Pathogenic (1); Likely pathogenic (1). Last evaluated 2023-09-26.

Conditions:
Wolman disease (WOLD). Also called: Acid cholesteryl ester hydrolase deficiency, Wolman type; Acid lipase disease; LYSOSOMAL ACID LIPASE DEFICIENCY, ACUTE INFANTILE; LYSOSOMAL ACID LIPASE DEFICIENCY, COMPLETE; LIPA DEFICIENCY, COMPLETE; LAL DEFICIENCY, COMPLETE. Identifiers: Orphanet 75233, MedGen C0043208, MONDO:0019148, OMIM 620151.
Lysosomal acid lipase deficiency. Also called: Acid cholesteryl ester hydrolase deficiency, type 2. Identifiers: Orphanet 275761, MedGen C5574740, MONDO:0800449, MONDO:0010204.

Allele frequency attached by ClinVar (database versions not stated): TOPMed below 0.00001.

Submissions (2):

Labcorp Genetics (formerly Invitae), Labcorp
Classification: Pathogenic for Wolman disease. Last evaluated: 2023-09-26. Review status: criteria provided, single submitter. Criteria: Invitae Variant Classification Sherloc (09022015). Collection method: clinical testing. Allele origin: germline.
Comment: For these reasons, this variant has been classified as Pathogenic. Algorithms developed to predict the effect of sequence changes on RNA splicing suggest that this variant may create or strengthen a splice site. ClinVar contains an entry for this variant (Variation ID: 1724570). This variant has not been reported in the literature in individuals affected with LIPA-related conditions. This variant is not present in population databases (gnomAD no frequency). This sequence change creates a premature translational stop signal (p.Trp44*) in the LIPA gene. It is expected to result in an absent or disrupted protein product. Loss-of-function variants in LIPA are known to be pathogenic (PMID: 23485521).

Myriad Genetics, Inc.
Classification: Likely pathogenic for Cholesteryl ester storage disease. Last evaluated: 2022-02-20. Review status: criteria provided, single submitter. Criteria: Myriad Women's Health Autosomal Recessive and X-Linked Classification Criteria (2021). Collection method: clinical testing. Allele origin: unknown.
Comment: NM_000235.2(LIPA):c.131G>A(W44*) is expected to be pathogenic in the context of lysosomal acid lipase deficiency. This variant is predicted to lead to an abnormal or absent protein product due to the creation of a premature termination codon in LIPA, a gene where loss-of-function variants are known to be pathogenic. Please note: this variant was assessed in the context of healthy population screening.

Literature cited by the submitters: PubMed 23485521 (cited by Labcorp Genetics (formerly Invitae), Labcorp).